The following is an entry in ClinVar:

ClinVar aggregate classification (germline): Uncertain significance. Review status: criteria provided, multiple submitters, no conflicts (2 of 4 stars). 2 submissions from 2 submitters: Uncertain significance (2). Last evaluated 2026-04-03.

Conditions:
TTC21B-related disorder. Also called: TTC21B-related disorders; TTC21B-related condition.
Inborn genetic diseases. Identifiers: MedGen C0950123, MeSH D030342.

Submissions (2):

PreventionGenetics, part of Exact Sciences
Classification: Uncertain significance for TTC21B-related condition. Last evaluated: 2026-04-03. Review status: criteria provided, single submitter. Criteria: ACMG Guidelines, 2015. Collection method: clinical testing. Allele origin: germline.
Comment: The TTC21B c.2902T>A variant is predicted to result in the amino acid substitution p.Tyr968Asn. To our knowledge, this variant has not been reported in the literature or in a large population database (gnomAD), indicating this variant is rare. At this time, the clinical significance of this variant is uncertain due to the absence of conclusive functional and genetic evidence.

Ambry Genetics
Classification: Uncertain significance for Inborn genetic diseases. Last evaluated: 2024-02-05. Review status: criteria provided, single submitter. Criteria: Ambry Variant Classification Scheme 2023. Collection method: clinical testing. Allele origin: germline.

NM_024753.5(TTC21B):c.2902T>A (p.Tyr968Asn)

Gene: TTC21B (tetratricopeptide repeat domain 21B; minus strand). Cytogenetic location: 2q24.3.
Variant type: single nucleotide variant.
Coding change: c.2902T>A on transcript NM_024753.5 (MANE Select); coding-DNA position 2902, T replaced by A.
Protein change: p.Tyr968Asn; replaces tyrosine 968 with asparagine.
Molecular consequence: missense variant.
Genome position (GRCh38, 1-based): chr2:165,898,734, A>T on the plus strand (T>A on the coding strand, the complement: TTC21B is on the minus strand). VCF-style: chr2-165898734-A-T. GRCh37 (hg19) VCF-style: chr2-166755244-A-T.
Other names: c.2902T>A (NM_024753.4); short protein forms Y968N.
Identifiers: ClinVar variation 3184166 (VCV003184166.2), dbSNP rs2468136882, ClinGen allele CA349049770.